The following is an entry in ClinVar:

Conditions:
Breast-ovarian cancer, familial, susceptibility to, 1 (BROVCA1). Also called: BRCA1 Hereditary Breast and Ovarian Cancer; OVARIAN CANCER, SUSCEPTIBILITY TO. Identifiers: Orphanet 145, MedGen C2676676, MONDO:0011450, OMIM 604370. Disease mechanism: loss of function.

Submission:

Brotman Baty Institute, University of Washington
No classification provided (evidence only). Condition: Breast-ovarian cancer, familial 1. Review status: no classification provided. Collection method: in vitro. Allele origin: not applicable. Functional consequence: functionally_normal.
ClinVar note: "not provided" was previously submitted as the classification for the variant. However, the classification appeared to be based only on an observation of functional data so it was converted to no classification on 2025-07-30.

NM_007294.4(BRCA1):c.5422G>C (p.Val1808Leu)

Gene: BRCA1 (BRCA1 DNA repair associated; minus strand). Cytogenetic location: 17q21.31.
Variant type: single nucleotide variant.
Coding change: c.5422G>C on transcript NM_007294.4 (MANE Select); coding-DNA position 5422, G replaced by C.
Protein change: p.Val1808Leu; replaces valine 1808 with leucine.
Molecular consequence: missense variant. On other transcripts: non-coding transcript variant (1).
Genome position (GRCh38, 1-based): chr17:43,047,688, C>G on the plus strand (G>C on the coding strand, the complement: BRCA1 is on the minus strand). VCF-style: chr17-43047688-C-G. GRCh37 (hg19) VCF-style: chr17-41199705-C-G.
Other names: c.5219G>C, p.Cys1740Ser (NM_001407941.1); c.5207G>C, p.Cys1736Ser (NM_001407942.1); c.5204G>C, p.Cys1735Ser (NM_001407943.1, NM_001407944.1, NM_001407945.1); c.5296G>C, p.Val1766Leu (NM_001407677.1, NM_001407678.1, NM_001407679.1 and 8 more transcripts); c.5293G>C, p.Val1765Leu (NM_001407681.1, NM_001407682.1, NM_001407683.1 and 6 more transcripts); c.5281G>C, p.Val1761Leu (NM_001407696.1, NM_001407697.1, NM_001407698.1 and 12 more transcripts); c.5278G>C, p.Val1760Leu (NM_001407740.1, NM_001407741.1, NM_001407742.1 and 18 more transcripts); c.5275G>C, p.Val1759Leu (NM_001407845.1, NM_001407846.1, NM_001407847.1 and 12 more transcripts); and 83 more; short protein forms V1761L, V704L, C679S, V1808L, V1829L, C1740S, V1511L, V1680L.
Identifiers: ClinVar variation 865482 (VCV000865482.3), dbSNP rs1555574756, ClinGen allele CA10590601.